The following is an entry in ClinVar:

NM_001355436.2(SPTB):c.996C>T (p.Asn332=)

Gene: SPTB (spectrin beta, erythrocytic; minus strand). Cytogenetic location: 14q23.3.
Variant type: single nucleotide variant.
Coding change: c.996C>T on transcript NM_001355436.2 (MANE Select); coding-DNA position 996, C replaced by T.
Protein change: p.Asn332=; no amino-acid change (asparagine 332 retained).
Molecular consequence: synonymous variant.
Genome position (GRCh38, 1-based): chr14:64,799,815, G>A on the plus strand (C>T on the coding strand, the complement: SPTB is on the minus strand). VCF-style: chr14-64799815-G-A. GRCh37 (hg19) VCF-style: chr14-65266533-G-A.
Other names: p.Asn332=; c.996C>T, p.Asn332= (NM_001024858.4, NM_001355437.2).
Identifiers: ClinVar variation 313772 (VCV000313772.25), dbSNP rs141060172, ClinGen allele CA7231262.

ClinVar aggregate classification (germline): Benign/Likely benign. Review status: criteria provided, multiple submitters, no conflicts (2 of 4 stars). 4 submissions from 4 submitters: Benign (3); Likely benign (1). Last evaluated 2026-01-30.

Allele frequency attached by ClinVar (database versions not stated): TOPMed 0.00480; gnomAD 0.00483 and 0.00526; 1000 Genomes Project 0.00559; ESP Exome Variant Server 0.00577; 1000 Genomes Project 30x 0.00593; gnomAD exomes 0.00689 and 0.00713; ExAC 0.00719.
gnomAD v4.1: 11,193 of 1,614,246 alleles (0.69%); highest among the groups gnomAD compares: South Asian, 2.1%; 74 homozygotes.

Submissions (4):

Labcorp Genetics (formerly Invitae), Labcorp
Classification: Benign. Last evaluated: 2026-01-30. Review status: criteria provided, single submitter. Criteria: Invitae Variant Classification Sherloc (09022015). Collection method: clinical testing. Allele origin: germline.

ARUP Laboratories, Molecular Genetics and Genomics, ARUP Laboratories
Classification: Benign. Last evaluated: 2025-04-11. Review status: criteria provided, single submitter. Criteria: ARUP Molecular Germline Variant Investigation Process 2024. Collection method: clinical testing. Allele origin: germline.

Mayo Clinic Laboratories, Mayo Clinic
Classification: Benign. Last evaluated: 2023-03-07. Review status: criteria provided, single submitter. Criteria: ACMG Guidelines, 2015. Collection method: clinical testing. Allele origin: germline. Observed: 36 variant alleles.
Comment: BS1, BS2, BP4

Breakthrough Genomics
Classification: Likely benign. Review status: criteria provided, single submitter. Criteria: ACMG Guidelines, 2015. Collection method: not provided. Allele origin: germline. Inheritance: Autosomal dominant inheritance. Affected: yes.